The following is an entry in ClinVar:

ClinVar aggregate classification (germline): Uncertain significance. Review status: criteria provided, multiple submitters, no conflicts (2 of 4 stars). 2 submissions from 2 submitters: Uncertain significance (2). Last evaluated 2025-03-10.

Conditions:
Dyskeratosis congenita. Identifiers: Orphanet 1775, MedGen C0265965, MONDO:0015780.
Dyskeratosis congenita, autosomal dominant 2. Identifiers: MedGen C3151443, MONDO:0013521, OMIM 613989.
Idiopathic Pulmonary Fibrosis. Also called: Idiopathic fibrosing alveolitis, chronic form; idiopathic fibrosing alveolitis. Identifiers: Orphanet 2032, MedGen C1800706, MeSH D054990, MONDO:0800504.

Allele frequency attached by ClinVar (database versions not stated): gnomAD exomes below 0.00001.
gnomAD v4.1: 1 of 1,594,066 alleles (0.000063%); highest among the groups gnomAD compares: South Asian, 0.0011%; no homozygotes.

Submissions (2):

Ambry Genetics
Classification: Uncertain significance for Dyskeratosis congenita. Last evaluated: 2025-03-10. Review status: criteria provided, single submitter. Criteria: Ambry Variant Classification Scheme 2023. Collection method: clinical testing. Allele origin: germline.
Comment: The p.W203R variant (also known as c.607T>A), located in coding exon 2 of the TERT gene, results from a T to A substitution at nucleotide position 607. The tryptophan at codon 203 is replaced by arginine, an amino acid with dissimilar properties. This amino acid position is conserved. In addition, this alteration is predicted to be tolerated by in silico analysis. Based on the available evidence, the clinical significance of this variant remains unclear.

Labcorp Genetics (formerly Invitae), Labcorp
Classification: Uncertain significance for Dyskeratosis congenita, autosomal dominant 2; Idiopathic Pulmonary Fibrosis. Last evaluated: 2022-10-20. Review status: criteria provided, single submitter. Criteria: Invitae Variant Classification Sherloc (09022015). Collection method: clinical testing. Allele origin: germline.
Comment: This sequence change replaces tryptophan, which is neutral and slightly polar, with arginine, which is basic and polar, at codon 203 of the TERT protein (p.Trp203Arg). This variant is not present in population databases (gnomAD no frequency). This variant has not been reported in the literature in individuals affected with TERT-related conditions. Advanced modeling of protein sequence and biophysical properties (such as structural, functional, and spatial information, amino acid conservation, physicochemical variation, residue mobility, and thermodynamic stability) performed at Invitae indicates that this missense variant is not expected to disrupt TERT protein function. In summary, the available evidence is currently insufficient to determine the role of this variant in disease. Therefore, it has been classified as a Variant of Uncertain Significance.

NM_198253.3(TERT):c.607T>A (p.Trp203Arg)

Gene: TERT (telomerase reverse transcriptase; minus strand). Cytogenetic location: 5p15.33.
Variant type: single nucleotide variant.
Coding change: c.607T>A on transcript NM_198253.3 (MANE Select); coding-DNA position 607, T replaced by A.
Protein change: p.Trp203Arg; replaces tryptophan 203 with arginine.
Molecular consequence: missense variant. On other transcripts: non-coding transcript variant (2).
Genome position (GRCh38, 1-based): chr5:1,294,279, A>T on the plus strand (T>A on the coding strand, the complement: TERT is on the minus strand). VCF-style: chr5-1294279-A-T. GRCh37 (hg19) VCF-style: chr5-1294394-A-T.
Other names: c.607T>A, p.Trp203Arg (NM_001193376.3, NM_003219.1); short protein forms W203R.
Identifiers: ClinVar variation 1721948 (VCV001721948.7), dbSNP rs2478423693, ClinGen allele CA359057205.